The following is an entry in ClinVar:

NM_002693.3(POLG):c.3204C>G (p.Asp1068Glu)

Gene: POLG (DNA polymerase gamma, catalytic subunit; minus strand). Cytogenetic location: 15q26.1.
Variant type: single nucleotide variant.
Coding change: c.3204C>G on transcript NM_002693.3 (MANE Select); coding-DNA position 3204, C replaced by G.
Protein change: p.Asp1068Glu; replaces aspartic acid 1068 with glutamic acid.
Molecular consequence: missense variant.
Genome position (GRCh38, 1-based): chr15:89,319,000, G>C on the plus strand (C>G on the coding strand, the complement: POLG is on the minus strand). VCF-style: chr15-89319000-G-C. GRCh37 (hg19) VCF-style: chr15-89862231-G-C.
Other names: c.3204C>G, p.Asp1068Glu (NM_001126131.2); short protein forms D1068E.
Identifiers: ClinVar variation 388649 (VCV000388649.19), dbSNP rs1057523186, ClinGen allele CA10602261.
Genomic context (GRCh38, chr15:89,319,000, plus strand): 5'-GACAGCCGAGGGCTCCAGGGCTCGGCTGATGCAGCAGCCCAGCACCGGGGTACGTGGTAT[G>C]TCAGACGTAGCAATGCTCTCAAGCTTATTGAACATTTCTGACTCTGTGCCCCCCTTCCAT-3'
Protein context (NP_002684.1, residues 1058-1078): FNKLESIATS[Asp1068Glu]IPRTPVLGCC

ClinVar aggregate classification (germline): Uncertain significance. Review status: criteria provided, multiple submitters, no conflicts (2 of 4 stars). 7 submissions from 7 submitters: Uncertain significance (7). Last evaluated 2026-05-21.

Conditions:
POLG-related disorder. Also called: POLG-Related Spectrum Disorders; POLG-related condition; POLG-Related Disorders. Identifiers: MedGen C4763519.
Mitochondrial DNA depletion syndrome 4b. Also called: Mitochondrial Neurogastrointestinal Encephalopathy Disease, POLG-Related; MNGIE, POLG-RELATED. Identifiers: Orphanet 298, MedGen C3150914, MONDO:0013350, OMIM 613662.
Progressive external ophthalmoplegia with mitochondrial DNA deletions, autosomal dominant 1 (PEOA1). Also called: Autosomal Dominant Progressive External Ophthalmoplegia (adPEO); PROGRESSIVE EXTERNAL OPHTHALMOPLEGIA, AUTOSOMAL DOMINANT 1. Identifiers: MedGen C1834846, MONDO:0024528, OMIM 157640.
Progressive external ophthalmoplegia with mitochondrial DNA deletions, autosomal recessive 1 (PEOB1). Also called: Progressive external ophthalmoplegia, autosomal recessive 1; Autosomal Recessive Progressive External Ophthalmoplegia (arPEO). Identifiers: Orphanet 254886, MedGen C4225153, MONDO:0009783, OMIM 258450.
Progressive sclerosing poliodystrophy (MTDPS4A). Also called: ALPERS PROGRESSIVE INFANTILE POLIODYSTROPHY; NEURONAL DEGENERATION OF CHILDHOOD WITH LIVER DISEASE, PROGRESSIVE; Alpers Syndrome; ALPERS DIFFUSE DEGENERATION OF CEREBRAL GRAY MATTER WITH HEPATIC CIRRHOSIS; Alpers-Huttenlocher Syndrome; Mitochondrial DNA Depletion Syndrome 4A. Identifiers: Orphanet 726, MedGen C0205710, MONDO:0008758, OMIM 203700.
Sensory ataxic neuropathy, dysarthria, and ophthalmoparesis (SANDO). Also called: Ataxia Neuropathy Spectrum (ANS); Sensory ataxic neuropathy-dysarthria-ophthalmoparesis syndrome; Epilepsy, progressive myoclonic, type 5; SENSORY ATAXIC NEUROPATHY WITH MITOCHONDRIAL DNA DELETIONS, AUTOSOMAL RECESSIVE. Identifiers: Orphanet 70595, MedGen C1843851, MONDO:0011835, OMIM 607459.
Mitochondrial DNA depletion syndrome 1. Also called: Mitochondrial neurogastrointestinal encephalomyopathy syndrome; Mitochondrial Neurogastrointestinal Encephalopathy Disease; MITOCHONDRIAL NEUROGASTROINTESTINAL ENCEPHALOPATHY SYNDROME, TYMP-RELATED; MNGIE, TYMP-RELATED; Mitochondrial DNA depletion syndrome 1 (MNGIE type); POLIP SYNDROME. Identifiers: Orphanet 298, MedGen C4551995, MONDO:0011283, OMIM 603041.
Inborn genetic diseases. Identifiers: MedGen C0950123, MeSH D030342.

Allele frequency attached by ClinVar (database versions not stated): gnomAD 0.00001; TOPMed 0.00002.
gnomAD v4.1: 1 of 1,614,020 alleles (0.000062%); highest among the groups gnomAD compares: Admixed American, 0.0017%; no homozygotes.

Submissions (7):

PreventionGenetics, part of Exact Sciences
Classification: Uncertain significance for POLG-related condition. Last evaluated: 2026-05-21. Review status: criteria provided, single submitter. Criteria: ACMG Guidelines, 2015. Collection method: clinical testing. Allele origin: germline.
Comment: The POLG c.3204C>G variant is predicted to result in the amino acid substitution p.Asp1068Glu. To our knowledge, this variant has not been reported in the literature or in a large population database (gnomAD), indicating this variant is rare. At this time, the clinical significance of this variant is uncertain due to the absence of conclusive functional and genetic evidence.

Labcorp Genetics (formerly Invitae), Labcorp
Classification: Uncertain significance for Progressive sclerosing poliodystrophy. Last evaluated: 2026-01-22. Review status: criteria provided, single submitter. Criteria: Invitae Variant Classification Sherloc (09022015). Collection method: clinical testing. Allele origin: germline.
Comment: This sequence change replaces aspartic acid, which is acidic and polar, with glutamic acid, which is acidic and polar, at codon 1068 of the POLG protein (p.Asp1068Glu). This variant is not present in population databases (gnomAD no frequency). This variant has not been reported in the literature in individuals affected with POLG-related conditions. ClinVar contains an entry for this variant (Variation ID: 388649). Invitae Evidence Modeling of protein sequence and biophysical properties (such as structural, functional, and spatial information, amino acid conservation, physicochemical variation, residue mobility, and thermodynamic stability) indicates that this missense variant is not expected to disrupt POLG protein function with a negative predictive value of 95%. In summary, the available evidence is currently insufficient to determine the role of this variant in disease. Therefore, it has been classified as a Variant of Uncertain Significance.

Women's Health and Genetics/Laboratory Corporation of America, LabCorp
Classification: Uncertain significance. Last evaluated: 2023-07-24. Review status: criteria provided, single submitter. Criteria: LabCorp Variant Classification Summary - May 2015. Collection method: clinical testing. Allele origin: germline.

GeneDx
Classification: Uncertain significance. Last evaluated: 2022-10-19. Review status: criteria provided, single submitter. Criteria: GeneDx Variant Classification Process June 2021. Collection method: clinical testing. Allele origin: germline. Affected: yes.
Comment: Not observed at significant frequency in large population cohorts (gnomAD); In silico analysis supports that this missense variant does not alter protein structure/function; Has not been previously published as pathogenic or benign to our knowledge

Fulgent Genetics
Classification: Uncertain significance for Progressive external ophthalmoplegia with mitochondrial DNA deletions, autosomal dominant 1; Progressive sclerosing poliodystrophy; Progressive external ophthalmoplegia with mitochondrial DNA deletions, autosomal recessive 1; Mitochondrial DNA depletion syndrome 1; Sensory ataxic neuropathy, dysarthria, and ophthalmoparesis; Mitochondrial DNA depletion syndrome 4b. Last evaluated: 2018-10-31. Review status: criteria provided, single submitter. Criteria: ACMG Guidelines, 2015. Collection method: clinical testing. Allele origin: unknown.

Wong Mito Lab, Molecular and Human Genetics, Baylor College of Medicine
Classification: Uncertain significance for Progressive sclerosing poliodystrophy. Last evaluated: 2018-10-01. Review status: criteria provided, single submitter. Criteria: ACMG Guidelines, 2015. Collection method: clinical testing. Allele origin: germline.
Comment: The NM_002693.2:c.3204C>G (NP_002684.1:p.Asp1068Glu) [GRCH38: NC_000015.10:g.89319000G>C] variant in POLG gene is interpretated to be a Uncertain Significance based on ACMG guidelines (PMID: 25741868). This variant meets the following evidence codes reported in the ACMG-guideline. BP4:Computational evidence/predictors indicate no impact on the POLG structure, function, or protein-protein interaction. Based on the evidence criteria codes applied, the variant is suggested to be Uncertain Significance.

Ambry Genetics
Classification: Uncertain significance for Inborn genetic diseases. Last evaluated: 2018-04-03. Review status: criteria provided, single submitter. Criteria: Ambry Variant Classification Scheme 2023. Collection method: clinical testing. Allele origin: germline.
Comment: The p.D1068E variant (also known as c.3204C>G), located in coding exon 19 of the POLG gene, results from a C to G substitution at nucleotide position 3204. The aspartic acid at codon 1068 is replaced by glutamic acid, an amino acid with highly similar properties. This amino acid position is not well conserved in available vertebrate species. In addition, this alteration is predicted to be tolerated by in silico analysis. Since supporting evidence is limited at this time, the clinical significance of this variant remains unclear.